The following is an entry in ClinVar:

NM_001347721.2(DYRK1A):c.901A>G (p.Ser301Gly)

Gene: DYRK1A (dual specificity tyrosine phosphorylation regulated kinase 1A; plus strand). Cytogenetic location: 21q22.13.
Variant type: single nucleotide variant.
Coding change: c.901A>G on transcript NM_001347721.2 (MANE Select); coding-DNA position 901, A replaced by G.
Protein change: p.Ser301Gly; replaces serine 301 with glycine.
Molecular consequence: missense variant.
Genome position (GRCh38, 1-based): chr21:37,490,438, A>G. VCF-style: chr21-37490438-A-G. GRCh37 (hg19) VCF-style: chr21-38862740-A-G.
Other names: c.901A>G, p.Ser301Gly (NM_001347722.2, NM_130436.2); c.814A>G, p.Ser272Gly (NM_001347723.2); c.928A>G, p.Ser310Gly (NM_001396.5, NM_101395.2, NM_130438.2); short protein forms S272G, S301G, S310G.
Identifiers: ClinVar variation 5020681 (VCV005020681.1).

ClinVar aggregate classification (germline): Uncertain significance (1 of 4 stars; one submission).

Submission:

Dasa
Classification: Uncertain significance. Last evaluated: 2026-04-01. Review status: criteria provided, single submitter. Criteria: DASA Assertion Criteria. Collection method: clinical testing. Allele origin: germline.
Comment: NM_001347721.2(DYRK1A):c.901A>G (p.Ser301Gly) is a missense variant that results in the substitution of serine with glycine. The affected residue or protein region has prior evidence supporting clinical relevance. This variant is rare in population databases. The currently available literature and clinical evidence are not sufficient to establish a definitive association between this variant and the reported condition. Therefore, this variant is classified as a variant of uncertain significance.